The following is an entry in ClinVar:

NM_006946.4(SPTBN2):c.478T>C (p.Phe160Leu)

Gene: SPTBN2 (spectrin beta, non-erythrocytic 2; minus strand). Cytogenetic location: 11q13.2.
Variant type: single nucleotide variant.
Coding change: c.478T>C on transcript NM_006946.4 (MANE Select); coding-DNA position 478, T replaced by C.
Protein change: p.Phe160Leu; replaces phenylalanine 160 with leucine.
Molecular consequence: missense variant.
Genome position (GRCh38, 1-based): chr11:66,715,227, A>G on the plus strand (T>C on the coding strand, the complement: SPTBN2 is on the minus strand). VCF-style: chr11-66715227-A-G. GRCh37 (hg19) VCF-style: chr11-66482698-A-G.
Other names: c.499T>C, p.Phe167Leu (NM_001411025.1); short protein forms F160L, F167L.
Identifiers: ClinVar variation 1710047 (VCV001710047.2), dbSNP rs2496552835, ClinGen allele CA381483563.

ClinVar aggregate classification (germline): Uncertain significance (1 of 4 stars; one submission).

Conditions:
Spinocerebellar ataxia type 5 (SCA5). Identifiers: Orphanet 98766, MedGen C0752123, MONDO:0010848, OMIM 600224.

Submission:

MGZ Medical Genetics Center
Classification: Uncertain significance for Spinocerebellar ataxia type 5. Last evaluated: 2022-03-15. Review status: criteria provided, single submitter. Criteria: ACMG Guidelines, 2015. Collection method: clinical testing. Allele origin: germline. Affected: yes. Observed: 1 variant allele.
Comment: ACMG criteria applied: PM2_SUP, PP2, PP3